The following is an entry in ClinVar:

ClinVar aggregate classification (germline): Likely benign (1 of 4 stars; one submission).

gnomAD v4.1: 4 of 1,614,150 alleles (0.00025%); highest among the groups gnomAD compares: Non-Finnish European, 0.00025%; no homozygotes.

Submission:

CeGaT Center for Human Genetics Tuebingen
Classification: Likely benign. Last evaluated: 2024-06-01. Review status: criteria provided, single submitter. Criteria: CeGaT Center For Human Genetics Tuebingen Variant Classification Criteria Version 2. Collection method: clinical testing. Allele origin: germline. Affected: yes. Observed: 1 variant allele.
Comment: KMT2C: BP4, BP7

NM_170606.3(KMT2C):c.6996G>C (p.Gly2332=)

Gene: KMT2C (lysine methyltransferase 2C; minus strand). Cytogenetic location: 7q36.1.
Variant type: single nucleotide variant.
Coding change: c.6996G>C on transcript NM_170606.3 (MANE Select); coding-DNA position 6996, G replaced by C.
Protein change: p.Gly2332=; no amino-acid change (glycine 2332 retained).
Molecular consequence: synonymous variant.
Genome position (GRCh38, 1-based): chr7:152,180,864, C>G on the plus strand (G>C on the coding strand, the complement: KMT2C is on the minus strand). VCF-style: chr7-152180864-C-G. GRCh37 (hg19) VCF-style: chr7-151877949-C-G.
Identifiers: ClinVar variation 3250962 (VCV003250962.18), dbSNP rs1277145735.